The following is an entry in ClinVar:

ClinVar aggregate classification (germline): Uncertain significance (1 of 4 stars; one submission).

Allele frequency attached by ClinVar (database versions not stated): gnomAD exomes below 0.00001.
gnomAD v4.1: 5 of 1,613,738 alleles (0.00031%); highest among the groups gnomAD compares: African/African-American, 0.0027%; no homozygotes.

Submission:

Labcorp Genetics (formerly Invitae), Labcorp
Classification: Uncertain significance. Last evaluated: 2023-01-23. Review status: criteria provided, single submitter. Criteria: Invitae Variant Classification Sherloc (09022015). Collection method: clinical testing. Allele origin: germline.
Comment: This variant has not been reported in the literature in individuals affected with NFKB1-related conditions. In summary, the available evidence is currently insufficient to determine the role of this variant in disease. Therefore, it has been classified as a Variant of Uncertain Significance. Advanced modeling of protein sequence and biophysical properties (such as structural, functional, and spatial information, amino acid conservation, physicochemical variation, residue mobility, and thermodynamic stability) performed at Invitae indicates that this missense variant is not expected to disrupt NFKB1 protein function. This variant is not present in population databases (gnomAD no frequency). This sequence change replaces glycine, which is neutral and non-polar, with valine, which is neutral and non-polar, at codon 480 of the NFKB1 protein (p.Gly480Val).

NM_003998.4(NFKB1):c.1439G>T (p.Gly480Val)

Gene: NFKB1 (nuclear factor kappa B subunit 1; plus strand). Cytogenetic location: 4q24.
Variant type: single nucleotide variant.
Coding change: c.1439G>T on transcript NM_003998.4 (MANE Select); coding-DNA position 1439, G replaced by T.
Protein change: p.Gly480Val; replaces glycine 480 with valine.
Molecular consequence: missense variant.
Genome position (GRCh38, 1-based): chr4:102,596,276, G>T. VCF-style: chr4-102596276-G-T. GRCh37 (hg19) VCF-style: chr4-103517433-G-T.
Other names: c.1436G>T, p.Gly479Val (NM_001165412.2, NM_001319226.2, NM_001382627.1); c.1439G>T, p.Gly480Val (NM_001382625.1, NM_001382626.1); c.1397G>T, p.Gly466Val (NM_001382628.1); short protein forms G466V, G479V, G480V.
Identifiers: ClinVar variation 1918643 (VCV001918643.5), dbSNP rs370612125, ClinGen allele CA102681963.